The following is an entry in ClinVar:

NM_138576.4(BCL11B):c.980C>T (p.Pro327Leu)

Gene: BCL11B (BCL11 transcription factor B; minus strand). Cytogenetic location: 14q32.2.
Variant type: single nucleotide variant.
Coding change: c.980C>T on transcript NM_138576.4 (MANE Select); coding-DNA position 980, C replaced by T.
Protein change: p.Pro327Leu; replaces proline 327 with leucine.
Molecular consequence: missense variant.
Genome position (GRCh38, 1-based): chr14:99,175,856, G>A on the plus strand (C>T on the coding strand, the complement: BCL11B is on the minus strand). VCF-style: chr14-99175856-G-A. GRCh37 (hg19) VCF-style: chr14-99642193-G-A.
Other names: c.977C>T, p.Pro326Leu (NM_001282237.2); c.764C>T, p.Pro255Leu (NM_001282238.2); c.767C>T, p.Pro256Leu (NM_022898.3); short protein forms P255L, P256L, P327L, P326L.
Identifiers: ClinVar variation 1511800 (VCV001511800.6), dbSNP rs778486721, ClinGen allele CA7339757.

ClinVar aggregate classification (germline): Uncertain significance (1 of 4 stars; one submission).

Allele frequency attached by ClinVar (database versions not stated): gnomAD 0.00001; gnomAD exomes 0.00001; ExAC 0.00002.
gnomAD v4.1: 4 of 1,477,194 alleles (0.00027%); highest among the groups gnomAD compares: South Asian, 0.0057%; no homozygotes.

Submission:

Labcorp Genetics (formerly Invitae), Labcorp
Classification: Uncertain significance. Last evaluated: 2024-10-07. Review status: criteria provided, single submitter. Criteria: Invitae Variant Classification Sherloc (09022015). Collection method: clinical testing. Allele origin: germline.
Comment: This sequence change replaces proline, which is neutral and non-polar, with leucine, which is neutral and non-polar, at codon 327 of the BCL11B protein (p.Pro327Leu). The frequency data for this variant in the population databases is considered unreliable, as metrics indicate poor data quality at this position in the gnomAD database. This variant has not been reported in the literature in individuals affected with BCL11B-related conditions. ClinVar contains an entry for this variant (Variation ID: 1511800). Invitae Evidence Modeling of protein sequence and biophysical properties (such as structural, functional, and spatial information, amino acid conservation, physicochemical variation, residue mobility, and thermodynamic stability) indicates that this missense variant is not expected to disrupt BCL11B protein function with a negative predictive value of 95%. In summary, the available evidence is currently insufficient to determine the role of this variant in disease. Therefore, it has been classified as a Variant of Uncertain Significance.